The following is an entry in ClinVar:

ClinVar aggregate classification (germline): Uncertain significance (1 of 4 stars; one submission).

Conditions:
Charcot-Marie-Tooth disease type 4. Also called: Charcot-Marie-Tooth, Type 4; Charcot-Marie-Tooth disease, type IV. Identifiers: Orphanet 64749, MedGen C4082197, MONDO:0018995.

Submission:

Labcorp Genetics (formerly Invitae), Labcorp
Classification: Uncertain significance for Charcot-Marie-Tooth disease type 4. Last evaluated: 2021-02-02. Review status: criteria provided, single submitter. Criteria: Invitae Variant Classification Sherloc (09022015). Collection method: clinical testing. Allele origin: germline.
Comment: This variant is not present in population databases (ExAC no frequency). This sequence change replaces glutamic acid with lysine at codon 298 of the MTMR2 protein (p.Glu298Lys). The glutamic acid residue is highly conserved and there is a small physicochemical difference between glutamic acid and lysine. This variant has not been reported in the literature in individuals with MTMR2-related conditions. Algorithms developed to predict the effect of missense changes on protein structure and function are either unavailable or do not agree on the potential impact of this missense change (SIFT: "Deleterious"; PolyPhen-2: "Benign"; Align-GVGD: "Class C0"). In summary, the available evidence is currently insufficient to determine the role of this variant in disease. Therefore, it has been classified as a Variant of Uncertain Significance.

NM_016156.6(MTMR2):c.892G>A (p.Glu298Lys)

Gene: MTMR2 (myotubularin related protein 2; minus strand). Cytogenetic location: 11q21.
Variant type: single nucleotide variant.
Coding change: c.892G>A on transcript NM_016156.6 (MANE Select); coding-DNA position 892, G replaced by A.
Protein change: p.Glu298Lys; replaces glutamic acid 298 with lysine.
Molecular consequence: missense variant.
Genome position (GRCh38, 1-based): chr11:95,849,775, C>T on the plus strand (G>A on the coding strand, the complement: MTMR2 is on the minus strand). VCF-style: chr11-95849775-C-T. GRCh37 (hg19) VCF-style: chr11-95582939-C-T.
Other names: c.676G>A, p.Glu226Lys (NM_001243571.2, NM_201278.3, NM_201281.3); short protein forms E226K, E298K.
Identifiers: ClinVar variation 1466254 (VCV001466254.8), dbSNP rs2135439554, ClinGen allele CA382425467.